The following is an entry in ClinVar:

NM_001042492.3(NF1):c.8084CAC[1] (p.Pro2696del)

Gene: NF1 (neurofibromin 1; plus strand). Cytogenetic location: 17q11.2.
Variant type: Microsatellite.
Coding change: c.8084CAC[1] on transcript NM_001042492.3 (MANE Select); one copy of the 3-base unit CAC starting at c.8084; the reference has two copies in a row; one copy, 3 bases deleted.
Protein change: p.Pro2696del; deletes proline 2696.
Molecular consequence: inframe deletion. On other transcripts: inframe indel (1).
Genome position (GRCh38, 1-based): chr17:31,358,596-31,358,598, CAC deleted; deleting any 3 consecutive bases within chr17:31,358,592-31,358,598 gives the same sequence; the position shown is the placement nearest the transcript's 3' end. VCF-style (leftmost placement, unchanged base first): chr17-31358591-CCCA-C. GRCh37 (hg19) VCF-style: chr17-29685609-CCCA-C.
Other names: c.8021_8023CAC[1], p.Pro2675del (NM_000267.4); short protein forms P2675del, P2696del.
Identifiers: ClinVar variation 3723494 (VCV003723494.2).

ClinVar aggregate classification (germline): Uncertain significance (1 of 4 stars; one submission).

Conditions:
Neurofibromatosis, type 1 (NF1). Also called: VON RECKLINGHAUSEN DISEASE; NEUROFIBROMATOSIS, TYPE I, SOMATIC; Peripheral type neurofibromatosis; Neurofibromatosis, type I. Identifiers: Orphanet 636, MedGen C0027831, MONDO:0018975, OMIM 162200. Disease mechanism: loss of function.

Submission:

Labcorp Genetics (formerly Invitae), Labcorp
Classification: Uncertain significance for Neurofibromatosis, type 1. Last evaluated: 2025-06-27. Review status: criteria provided, single submitter. Criteria: Invitae Variant Classification Sherloc (09022015). Collection method: clinical testing. Allele origin: germline.
Comment: This variant, c.8024_8026del, results in the deletion of 1 amino acid(s) of the NF1 protein (p.Pro2675del), but otherwise preserves the integrity of the reading frame. This variant is not present in population databases (gnomAD no frequency). This variant has not been reported in the literature in individuals affected with NF1-related conditions. Experimental studies and prediction algorithms are not available or were not evaluated, and the functional significance of this variant is currently unknown. In summary, the available evidence is currently insufficient to determine the role of this variant in disease. Therefore, it has been classified as a Variant of Uncertain Significance.